The following is an entry in ClinVar:

ClinVar aggregate classification (germline): Uncertain significance. Review status: criteria provided, multiple submitters, no conflicts (2 of 4 stars). 4 submissions from 3 submitters: Uncertain significance (4). Last evaluated 2025-08-13.

Conditions:
Short-rib thoracic dysplasia 7 with or without polydactyly (SRTD7). Also called: Short rib polydactyly syndrome 5; SHORT-RIB THORACIC DYSPLASIA 7 WITH POLYDACTYLY. Identifiers: Orphanet 498497, Orphanet 93271, MedGen C3279792, MONDO:0013569, OMIM 614091.
Cranioectodermal dysplasia 2 (CED2). Identifiers: Orphanet 1515, MedGen C3150874, MONDO:0013323, OMIM 613610.
Inborn genetic diseases. Identifiers: MedGen C0950123, MeSH D030342.

Allele frequency attached by ClinVar (database versions not stated): ExAC 0.00001; gnomAD exomes 0.00001 and 0.00002; gnomAD 0.00006 and 0.00007; TOPMed 0.00009.
gnomAD v4.1: 21 of 1,613,944 alleles (0.0013%); highest among the groups gnomAD compares: African/African-American, 0.027%; no homozygotes.

Submissions (4):

Ambry Genetics
Classification: Uncertain significance for Inborn genetic diseases. Last evaluated: 2025-08-13. Review status: criteria provided, single submitter. Criteria: Ambry Variant Classification Scheme 2023. Collection method: clinical testing. Allele origin: germline.

Labcorp Genetics (formerly Invitae), Labcorp
Classification: Uncertain significance for Cranioectodermal dysplasia 2; Short-rib thoracic dysplasia 7 with or without polydactyly. Last evaluated: 2021-08-31. Review status: criteria provided, single submitter. Criteria: Invitae Variant Classification Sherloc (09022015). Collection method: clinical testing. Allele origin: germline.
Comment: This sequence change replaces glutamine with glutamic acid at codon 1165 of the WDR35 protein (p.Gln1165Glu). The glutamine residue is weakly conserved and there is a small physicochemical difference between glutamine and glutamic acid. This variant is present in population databases (rs774768083, ExAC 0.01%). This variant has not been reported in the literature in individuals affected with WDR35-related conditions. ClinVar contains an entry for this variant (Variation ID: 898012). Algorithms developed to predict the effect of missense changes on protein structure and function (SIFT, PolyPhen-2, Align-GVGD) all suggest that this variant is likely to be tolerated. In summary, the available evidence is currently insufficient to determine the role of this variant in disease. Therefore, it has been classified as a Variant of Uncertain Significance.

Illumina Laboratory Services, Illumina
Classification: Uncertain significance for Cranioectodermal dysplasia 2. Last evaluated: 2018-01-13. Review status: criteria provided, single submitter. Criteria: ICSL Variant Classification Criteria 13 December 2019. Collection method: clinical testing. Allele origin: germline.

Illumina Laboratory Services, Illumina
Classification: Uncertain significance for Short-rib thoracic dysplasia 7 with or without polydactyly. Last evaluated: 2018-01-13. Review status: criteria provided, single submitter. Criteria: ICSL Variant Classification Criteria 13 December 2019. Collection method: clinical testing. Allele origin: germline.

NM_020779.4(WDR35):c.3460C>G (p.Gln1154Glu)

Gene: WDR35 (WD repeat domain 35; minus strand). Cytogenetic location: 2p24.1.
Variant type: single nucleotide variant.
Coding change: c.3460C>G on transcript NM_020779.4 (MANE Select); coding-DNA position 3460, C replaced by G.
Protein change: p.Gln1154Glu; replaces glutamine 1154 with glutamic acid.
Molecular consequence: missense variant.
Genome position (GRCh38, 1-based): chr2:19,913,611, G>C on the plus strand (C>G on the coding strand, the complement: WDR35 is on the minus strand). VCF-style: chr2-19913611-G-C. GRCh37 (hg19) VCF-style: chr2-20113372-G-C.
Other names: c.3493C>G, p.Gln1165Glu (NM_001006657.2); short protein forms Q1165E, Q1154E.
Identifiers: ClinVar variation 898012 (VCV000898012.9), dbSNP rs774768083, ClinGen allele CA1542656.
Genomic context (GRCh38, chr2:19,913,611, plus strand): 5'-CATTCCTTTATCCCACTGGACTATGGCATAAGGGGCAGAAGCTGTAGTGGCTTATTTCCT[G>C]AGCAAGGACACCGTGTTTGCATACACTGCACATCCAGAATTGATACTCAGTGATTGGGCT-3'
Protein context (NP_065830.2, residues 1144-1164): CSVCKHGVLA[Gln1154Glu]EISHYSFCPL